The following is an entry in ClinVar:

ClinVar aggregate classification (germline): Likely benign (1 of 4 stars; one submission).

gnomAD v4.1: 1 of 1,613,894 alleles (0.000062%); highest among the groups gnomAD compares: African/African-American, 0.0013%; no homozygotes.

Submission:

Laboratory for Molecular Medicine, Mass General Brigham Personalized Medicine
Classification: Likely benign. Last evaluated: 2014-06-02. Review status: criteria provided, single submitter. Criteria: LMM Criteria. Collection method: clinical testing. Allele origin: germline. Observed: 1 variant allele.
Comment: Asp1200Asp in exon 23 of SOS1: This variant is not expected to have clinical sig nificance because it does not alter an amino acid residue and is not located wit hin the splice consensus sequence.

NM_005633.4(SOS1):c.3600C>T (p.Asp1200=)

Gene: SOS1 (SOS Ras/Rac guanine nucleotide exchange factor 1; minus strand). Cytogenetic location: 2p22.1.
Variant type: single nucleotide variant.
Coding change: c.3600C>T on transcript NM_005633.4 (MANE Select); coding-DNA position 3600, C replaced by T.
Protein change: p.Asp1200=; no amino-acid change (aspartic acid 1200 retained).
Molecular consequence: synonymous variant.
Genome position (GRCh38, 1-based): chr2:38,986,226, G>A on the plus strand (C>T on the coding strand, the complement: SOS1 is on the minus strand). VCF-style: chr2-38986226-G-A. GRCh37 (hg19) VCF-style: chr2-39213367-G-A.
Other names: c.3579C>T, p.Asp1193= (NM_001382394.1); c.3555C>T, p.Asp1185= (NM_001382395.1).
Identifiers: ClinVar variation 165278 (VCV000165278.5), dbSNP rs141594736, ClinGen allele CA178014.